The following is an entry in ClinVar:

ClinVar aggregate classification (germline): Uncertain significance (1 of 4 stars; one submission).

Allele frequency attached by ClinVar (database versions not stated): gnomAD exomes below 0.00001.

Submission:

Labcorp Genetics (formerly Invitae), Labcorp
Classification: Uncertain significance. Last evaluated: 2023-06-29. Review status: criteria provided, single submitter. Criteria: Invitae Variant Classification Sherloc (09022015). Collection method: clinical testing. Allele origin: germline.
Comment: This variant is not present in population databases (gnomAD no frequency). In summary, the available evidence is currently insufficient to determine the role of this variant in disease. Therefore, it has been classified as a Variant of Uncertain Significance. Advanced modeling of protein sequence and biophysical properties (such as structural, functional, and spatial information, amino acid conservation, physicochemical variation, residue mobility, and thermodynamic stability) performed at Invitae indicates that this missense variant is not expected to disrupt STAT4 protein function. This variant has not been reported in the literature in individuals affected with STAT4-related conditions. This sequence change replaces asparagine, which is neutral and polar, with serine, which is neutral and polar, at codon 5 of the STAT4 protein (p.Asn5Ser).

NM_003151.4(STAT4):c.14A>G (p.Asn5Ser)

Gene: STAT4 (signal transducer and activator of transcription 4; minus strand). Cytogenetic location: 2q32.3.
Variant type: single nucleotide variant.
Coding change: c.14A>G on transcript NM_003151.4 (MANE Select); coding-DNA position 14, A replaced by G.
Protein change: p.Asn5Ser; replaces asparagine 5 with serine.
Molecular consequence: missense variant.
Genome position (GRCh38, 1-based): chr2:191,148,190, T>C on the plus strand (A>G on the coding strand, the complement: STAT4 is on the minus strand). VCF-style: chr2-191148190-T-C. GRCh37 (hg19) VCF-style: chr2-192012916-T-C.
Other names: c.14A>G, p.Asn5Ser (NM_001243835.2); short protein forms N5S.
Identifiers: ClinVar variation 2715525 (VCV002715525.3), dbSNP rs2471013897, ClinGen allele CA350003000.
Genomic context (GRCh38, chr2:191,148,190, plus strand): 5'-TTGTCATCATAGAATTGATCCACCTGCTCCAAAAACTTGATTTCTAACTGTTGGACTTGA[T>C]TCCACTGAGACATGCTATAAAAGAAGGTGTAGAATTAGAGTTTTAAAATATTGTTCATAG-3'
Protein context (NP_003142.1, residues 1-15): MSQW[Asn5Ser]QVQQLEIKFL